The following is an entry in ClinVar:

ClinVar aggregate classification (germline): Likely benign. Review status: criteria provided, multiple submitters, no conflicts (2 of 4 stars). 3 submissions from 3 submitters: Likely benign (3). Last evaluated 2026-03-11.

Conditions:
Charcot-Marie-Tooth disease axonal type 2O. Also called: CHARCOT-MARIE-TOOTH NEUROPATHY, AXONAL, TYPE 2O; CHARCOT-MARIE-TOOTH DISEASE, AXONAL, AUTOSOMAL DOMINANT, TYPE 2O; Charcot-Marie-Tooth disease, axonal, type 20; Charcot-Marie-Tooth Neuropathy Type 2O. Identifiers: Orphanet 284232, MedGen C3280220, MONDO:0013644, OMIM 614228.

Allele frequency attached by ClinVar (database versions not stated): gnomAD exomes 0.00004 and 0.00001; TOPMed 0.00004; ExAC 0.00003; gnomAD 0.00003.

Submissions (3):

Women's Health and Genetics/Laboratory Corporation of America, LabCorp
Classification: Likely benign. Last evaluated: 2026-03-11. Review status: criteria provided, single submitter. Criteria: LabCorp Variant Classification Summary - May 2015. Collection method: clinical testing. Allele origin: germline.
Comment: Variant summary: DYNC1H1 c.2538+11_2538+12delAT alters two nucleotides located at a position not widely known to affect splicing. Consensus agreement among computation tools predict no significant impact on normal splicing. However, these predictions have yet to be confirmed by functional studies. The variant allele was found at a frequency of 3.6e-05 in 249000 control chromosomes. The available data on variant occurrences in the general population are insufficient to allow any conclusion about variant significance. To our knowledge, no occurrence of c.2538+11_2538+12delAT in individuals affected with DYNC1H1-related conditions and no experimental evidence demonstrating its impact on protein function have been reported. ClinVar contains an entry for this variant (Variation ID: 421989). Based on the evidence outlined above, the variant was classified as likely benign.

Labcorp Genetics (formerly Invitae), Labcorp
Classification: Likely benign for Charcot-Marie-Tooth disease axonal type 2O. Last evaluated: 2025-12-26. Review status: criteria provided, single submitter. Criteria: Invitae Variant Classification Sherloc (09022015). Collection method: clinical testing. Allele origin: germline.

GeneDx
Classification: Likely benign. Last evaluated: 2016-08-11. Review status: criteria provided, single submitter. Criteria: GeneDx Variant Classification (06012015). Collection method: clinical testing. Allele origin: germline. Affected: yes.
Comment: This variant is considered likely benign or benign based on one or more of the following criteria: it is a conservative change, it occurs at a poorly conserved position in the protein, it is predicted to be benign by multiple in silico algorithms, and/or has population frequency not consistent with disease.

NM_001376.5(DYNC1H1):c.2538+11_2538+12del

Gene: DYNC1H1 (dynein cytoplasmic 1 heavy chain 1; plus strand). Cytogenetic location: 14q32.31.
Variant type: Deletion.
Coding change: c.2538+11_2538+12del on transcript NM_001376.5 (MANE Select); bases 11 to 12 of the intron after coding-DNA position 2538, 2 bases deleted (AT; older notation c.2538+11_2538+12delAT).
Molecular consequence: intron variant.
Genome position (GRCh38, 1-based): chr14:101,986,774-101,986,775, AT deleted. VCF-style (leftmost placement, unchanged base first): chr14-101986773-CAT-C. GRCh37 (hg19) VCF-style: chr14-102453110-CAT-C.
Other names: c.2538+11_2538+12delAT (NM_001376.5).
Identifiers: ClinVar variation 421989 (VCV000421989.9), dbSNP rs17512061, ClinGen allele CA7351831.